The following is an entry in ClinVar:

NM_005006.7(NDUFS1):c.454C>T (p.Arg152Ter)

Gene: NDUFS1 (NADH:ubiquinone oxidoreductase core subunit S1; minus strand). Cytogenetic location: 2q33.3.
Variant type: single nucleotide variant.
Coding change: c.454C>T on transcript NM_005006.7 (MANE Select); coding-DNA position 454, C replaced by T.
Protein change: p.Arg152Ter; replaces arginine 152 with a stop codon.
Molecular consequence: nonsense.
Genome position (GRCh38, 1-based): chr2:206,147,628, G>A on the plus strand (C>T on the coding strand, the complement: NDUFS1 is on the minus strand). VCF-style: chr2-206147628-G-A. GRCh37 (hg19) VCF-style: chr2-207012352-G-A.
Other names: c.454C>T (NM_005006.5); c.346C>T, p.Arg116Ter (NM_001199981.2); c.121C>T, p.Arg41Ter (NM_001199982.2); c.283C>T, p.Arg95Ter (NM_001199983.2); c.496C>T, p.Arg166Ter (NM_001199984.2); short protein forms R152*, R41*, R116*, R166*, R95*.
Identifiers: ClinVar variation 1945436 (VCV001945436.7), dbSNP rs1484648743, ClinGen allele CA350061498.

ClinVar aggregate classification (germline): Pathogenic/Likely pathogenic. Review status: criteria provided, multiple submitters, no conflicts (2 of 4 stars). 3 submissions from 3 submitters: Pathogenic (2); Likely pathogenic (1). Last evaluated 2025-07-29.

Conditions:
Mitochondrial complex I deficiency, nuclear type 5. Also called: Mitochondrial complex 1 deficiency, nuclear type 5. Identifiers: MedGen C4748754, MONDO:0032610, OMIM 618226.

Allele frequency attached by ClinVar (database versions not stated): gnomAD exomes below 0.00001; TOPMed 0.00001.

Submissions (3):

GeneDx
Classification: Pathogenic. Last evaluated: 2025-07-29. Review status: criteria provided, single submitter. Criteria: GeneDx Variant Classification Process June 2021. Collection method: clinical testing. Allele origin: germline. Affected: yes.
Comment: Nonsense variant predicted to result in protein truncation or nonsense mediated decay in a gene for which loss of function is a known mechanism of disease; Not observed at significant frequency in large population cohorts (gnomAD); This variant is associated with the following publications: (PMID: 38703036)

Labcorp Genetics (formerly Invitae), Labcorp
Classification: Pathogenic. Last evaluated: 2024-12-02. Review status: criteria provided, single submitter. Criteria: Invitae Variant Classification Sherloc (09022015). Collection method: clinical testing. Allele origin: germline.
Comment: This sequence change creates a premature translational stop signal (p.Arg152*) in the NDUFS1 gene. It is expected to result in an absent or disrupted protein product. Loss-of-function variants in NDUFS1 are known to be pathogenic (PMID: 11349233, 22200994). This variant is not present in population databases (gnomAD no frequency). This variant has not been reported in the literature in individuals affected with NDUFS1-related conditions. ClinVar contains an entry for this variant (Variation ID: 1945436). For these reasons, this variant has been classified as Pathogenic.

Service de Génétique Médicale, Centre Hospitalier Universitaire de Nice-Université Côte d'Azur
Classification: Likely pathogenic for Mitochondrial complex I deficiency, nuclear type 5. Last evaluated: 2024-02-27. Review status: criteria provided, single submitter. Criteria: ACMG Guidelines, 2015. Collection method: clinical testing. Allele origin: germline. Affected: yes.

Literature cited by the submitters: PubMed 11349233 (cited by Labcorp Genetics (formerly Invitae), Labcorp); PubMed 22200994 (cited by Labcorp Genetics (formerly Invitae), Labcorp); PubMed 38703036 (cited by Service de Génétique Médicale, Centre Hospitalier Universitaire de Nice-Université Côte d'Azur).